The following is an entry in ClinVar:

ClinVar aggregate classification (germline): Uncertain significance (1 of 4 stars; one submission).

Conditions:
Brody myopathy. Also called: BRODY DISEASE. Identifiers: Orphanet 53347, MedGen C1832918, MONDO:0010977, OMIM 601003.

Allele frequency attached by ClinVar (database versions not stated): gnomAD exomes below 0.00001 and 0.00002.
gnomAD v4.1: 24 of 1,613,898 alleles (0.0015%); highest among the groups gnomAD compares: Non-Finnish European, 0.0019%; no homozygotes.

Submission:

Labcorp Genetics (formerly Invitae), Labcorp
Classification: Uncertain significance for Brody myopathy. Last evaluated: 2022-07-19. Review status: criteria provided, single submitter. Criteria: Invitae Variant Classification Sherloc (09022015). Collection method: clinical testing. Allele origin: germline.
Comment: ClinVar contains an entry for this variant (Variation ID: 843712). In summary, the available evidence is currently insufficient to determine the role of this variant in disease. Therefore, it has been classified as a Variant of Uncertain Significance. Algorithms developed to predict the effect of missense changes on protein structure and function are either unavailable or do not agree on the potential impact of this missense change (SIFT: "Deleterious"; PolyPhen-2: "Probably Damaging"; Align-GVGD: "Class C0"). This variant has not been reported in the literature in individuals affected with ATP2A1-related conditions. This variant is present in population databases (no rsID available, gnomAD 0.0009%). This sequence change replaces valine, which is neutral and non-polar, with alanine, which is neutral and non-polar, at codon 977 of the ATP2A1 protein (p.Val977Ala).

NM_004320.6(ATP2A1):c.2930T>C (p.Val977Ala)

Gene: ATP2A1 (ATPase sarcoplasmic/endoplasmic reticulum Ca2+ transporting 1; plus strand). Cytogenetic location: 16p11.2.
Variant type: single nucleotide variant.
Coding change: c.2930T>C on transcript NM_004320.6 (MANE Select); coding-DNA position 2930, T replaced by C.
Protein change: p.Val977Ala; replaces valine 977 with alanine.
Molecular consequence: missense variant.
Genome position (GRCh38, 1-based): chr16:28,903,390, T>C. VCF-style: chr16-28903390-T-C. GRCh37 (hg19) VCF-style: chr16-28914711-T-C.
Other names: c.2555T>C, p.Val852Ala (NM_001286075.2); c.2930T>C, p.Val977Ala (NM_173201.5); short protein forms V977A, V852A.
Identifiers: ClinVar variation 843712 (VCV000843712.10), dbSNP rs1332963906, ClinGen allele CA395416000.